The following is an entry in ClinVar:

NM_000548.5(TSC2):c.2521G>A (p.Val841Ile)

Gene: TSC2 (TSC complex subunit 2; plus strand). Cytogenetic location: 16p13.3.
Variant type: single nucleotide variant.
Coding change: c.2521G>A on transcript NM_000548.5 (MANE Select); coding-DNA position 2521, G replaced by A.
Protein change: p.Val841Ile; replaces valine 841 with isoleucine.
Molecular consequence: missense variant.
Genome position (GRCh38, 1-based): chr16:2,074,365, G>A. VCF-style: chr16-2074365-G-A. GRCh37 (hg19) VCF-style: chr16-2124366-G-A.
Other names: c.2521G>A, p.Val841Ile (NM_001077183.3, NM_001114382.3, NM_001363528.2 and 3 more transcripts); c.2410G>A, p.Val804Ile (NM_001318827.2); c.2374G>A, p.Val792Ile (NM_001318829.2); c.1921G>A, p.Val641Ile (NM_001318831.2); c.2554G>A, p.Val852Ile (NM_001318832.2); short protein forms V841I, V792I, V852I, V641I, V804I.
Identifiers: ClinVar variation 237994 (VCV000237994.24), dbSNP rs549612492, ClinGen allele CA10583310.

ClinVar aggregate classification (germline): Conflicting classifications of pathogenicity. Review status: criteria provided, conflicting classifications (1 of 4 stars). 10 submissions from 10 submitters: Uncertain significance (5); Benign (1); Likely benign (3). 1 of the submissions does not count toward it. Last evaluated 2026-01-21.

Conditions:
TSC2-related disorder. Also called: TSC2-Related Disorders; TSC2-related condition.
Hereditary cancer-predisposing syndrome. Also called: Neoplastic Syndromes, Hereditary; Hereditary Cancer Syndrome; Tumor predisposition; Hereditary neoplastic syndrome. Identifiers: Orphanet 140162, MedGen C0027672, MeSH D009386, MONDO:0015356.
Tuberous sclerosis syndrome (TSC). Also called: Tuberous Sclerosis Complex; Tuberous sclerosis. Identifiers: Orphanet 805, MedGen C0041341, MONDO:0001734.
Tuberous sclerosis 2 (TSC2). Identifiers: Orphanet 805, MedGen C1860707, MONDO:0013199, OMIM 613254.

Allele frequency attached by ClinVar (database versions not stated): gnomAD 0.00001; gnomAD exomes 0.00001.
gnomAD v4.1: 10 of 1,611,728 alleles (0.00062%); highest among the groups gnomAD compares: African/African-American, 0.0013%; no homozygotes.

Submissions (10):

Labcorp Genetics (formerly Invitae), Labcorp
Classification: Benign for Tuberous sclerosis 2. Last evaluated: 2026-01-21. Review status: criteria provided, single submitter. Criteria: Invitae Variant Classification Sherloc (09022015). Collection method: clinical testing. Allele origin: germline.

Color Diagnostics, LLC DBA Color Health
Classification: Uncertain significance for Tuberous sclerosis syndrome. Last evaluated: 2025-06-19. Review status: criteria provided, single submitter. Criteria: ACMG Guidelines, 2015. Collection method: clinical testing. Allele origin: germline.
Comment: This missense variant replaces valine with isoleucine at codon 841 of the TSC2 protein. Computational prediction suggests that this variant may not impact protein structure and function. To our knowledge, functional studies have not been reported for this variant. This variant has not been reported in individuals affected with TSC2-related disorders in the literature. This variant has not been identified in the general population by the Genome Aggregation Database (gnomAD). The available evidence is insufficient to determine the role of this variant in disease conclusively. Therefore, this variant is classified as a Variant of Uncertain Significance.

Blueprint Genetics
Classification: Likely benign. Last evaluated: 2024-06-28. Review status: criteria provided, single submitter. Criteria: ACMG Guidelines, 2015. Collection method: clinical testing. Allele origin: germline.

All of Us Research Program, National Institutes of Health
Classification: Uncertain significance for Tuberous sclerosis syndrome. Last evaluated: 2024-06-11. Review status: criteria provided, single submitter. Criteria: ACMG Guidelines, 2015. Collection method: clinical testing. Allele origin: germline. Inheritance: Autosomal dominant inheritance. Observed: 1 variant allele, 1 heterozygote.
Comment: This study involves interpretation of variants in research participants for the purpose of population health screening. Participant phenotype was not available at the time of variant classification. Additional details can be found in publication PMID: 35346344, PMCID: PMC8962531

PreventionGenetics, part of Exact Sciences
Classification: Uncertain significance for TSC2-related condition. Last evaluated: 2023-03-06. Review status: criteria provided, single submitter. Criteria: ACMG Guidelines, 2015. Collection method: clinical testing. Allele origin: germline.
Comment: The TSC2 c.2521G>A variant is predicted to result in the amino acid substitution p.Val841Ile. To our knowledge, this variant has not been reported in the literature or in a large population database, indicating this variant is rare. In ClinVar, this variant has conflicting interpretations of benign, likely benign, and uncertain significance. At this time, the clinical significance of this variant is uncertain due to the absence of conclusive functional and genetic evidence.

Genome-Nilou Lab
Classification: Likely benign for Tuberous sclerosis 2. Last evaluated: 2021-11-07. Review status: criteria provided, single submitter. Criteria: ACMG Guidelines, 2015. Collection method: clinical testing. Allele origin: germline. Affected: no.

Institute of Human Genetics, University of Leipzig Medical Center
Classification: Uncertain significance for Tuberous sclerosis 2. Last evaluated: 2019-12-20. Review status: criteria provided, single submitter. Criteria: ACMG Guidelines, 2015. Collection method: clinical testing. Allele origin: germline. Affected: yes. Observed: 1 variant allele.

Illumina Laboratory Services, Illumina
Classification: Uncertain significance for Tuberous sclerosis syndrome. Last evaluated: 2018-01-13. Review status: criteria provided, single submitter. Criteria: ICSL Variant Classification Criteria 13 December 2019. Collection method: clinical testing. Allele origin: germline.

Ambry Genetics
Classification: Likely benign for Hereditary cancer-predisposing syndrome. Last evaluated: 2017-12-15. Review status: criteria provided, single submitter. Criteria: Ambry Variant Classification Scheme 2023. Collection method: clinical testing. Allele origin: germline.

CSER _CC_NCGL, University of Washington
Classification: Uncertain significance for Tuberous sclerosis complex. Last evaluated: 2016-08-01. Review status: no assertion criteria provided. Collection method: research. Allele origin: germline. Inheritance: Autosomal dominant inheritance. Study: CSER - NEXT Medicine variant annotation. Not counted in ClinVar's aggregate classification.